The following is an entry in ClinVar:

NM_001297.5(CNGB1):c.169G>T (p.Glu57Ter)

Gene: CNGB1 (cyclic nucleotide gated channel subunit beta 1; minus strand). Cytogenetic location: 16q21.
Variant type: single nucleotide variant.
Coding change: c.169G>T on transcript NM_001297.5 (MANE Select); coding-DNA position 169, G replaced by T.
Protein change: p.Glu57Ter; replaces glutamic acid 57 with a stop codon.
Molecular consequence: nonsense.
Genome position (GRCh38, 1-based): chr16:57,964,535, C>A on the plus strand (G>T on the coding strand, the complement: CNGB1 is on the minus strand). VCF-style: chr16-57964535-C-A. GRCh37 (hg19) VCF-style: chr16-57998439-C-A.
Other names: c.169G>T, p.Glu57Ter (NM_001135639.2, NM_001286130.2); short protein forms E57*.
Identifiers: ClinVar variation 1458949 (VCV001458949.6), dbSNP rs1173171736, ClinGen allele CA396080686.

ClinVar aggregate classification (germline): Pathogenic (1 of 4 stars; one submission).

Submission:

Labcorp Genetics (formerly Invitae), Labcorp
Classification: Pathogenic. Last evaluated: 2022-11-29. Review status: criteria provided, single submitter. Criteria: Invitae Variant Classification Sherloc (09022015). Collection method: clinical testing. Allele origin: germline.
Comment: This variant is not present in population databases (gnomAD no frequency). For these reasons, this variant has been classified as Pathogenic. Algorithms developed to predict the effect of sequence changes on RNA splicing suggest that this variant may disrupt the consensus splice site. ClinVar contains an entry for this variant (Variation ID: 1458949). This variant has not been reported in the literature in individuals affected with CNGB1-related conditions. This sequence change creates a premature translational stop signal (p.Glu57*) in the CNGB1 gene. It is expected to result in an absent or disrupted protein product. Loss-of-function variants in CNGB1 are known to be pathogenic (PMID: 15557452, 24043777).

Literature cited by the submitters: PubMed 15557452; PubMed 24043777.